The following is an entry in ClinVar:

ClinVar aggregate classification (germline): Uncertain significance. Review status: criteria provided, multiple submitters, no conflicts (2 of 4 stars). 2 submissions from 2 submitters: Uncertain significance (2). Last evaluated 2025-03-17.

Conditions:
Hereditary diffuse gastric adenocarcinoma (HDGC). Also called: DIFFUSE GASTRIC AND LOBULAR BREAST CANCER SYNDROME. Identifiers: Orphanet 26106, MedGen C1708349, MONDO:0007648, OMIM 137215.
Hereditary cancer-predisposing syndrome. Also called: Neoplastic Syndromes, Hereditary; Tumor predisposition; Hereditary Cancer Syndrome; Hereditary neoplastic syndrome. Identifiers: Orphanet 140162, MedGen C0027672, MeSH D009386, MONDO:0015356.

gnomAD v4.1: 1 of 1,613,898 alleles (0.000062%); highest among the groups gnomAD compares: South Asian, 0.0011%; no homozygotes.

Submissions (2):

Labcorp Genetics (formerly Invitae), Labcorp
Classification: Uncertain significance for Hereditary diffuse gastric adenocarcinoma. Last evaluated: 2025-03-17. Review status: criteria provided, single submitter. Criteria: Invitae Variant Classification Sherloc (09022015). Collection method: clinical testing. Allele origin: germline.
Comment: This sequence change replaces glycine, which is neutral and non-polar, with arginine, which is basic and polar, at codon 62 of the CDH1 protein (p.Gly62Arg). This variant is not present in population databases (gnomAD no frequency). This variant has not been reported in the literature in individuals affected with CDH1-related conditions. ClinVar contains an entry for this variant (Variation ID: 566243). An algorithm developed to predict the effect of missense changes on protein structure and function (PolyPhen-2) suggests that this variant is likely to be disruptive. In summary, the available evidence is currently insufficient to determine the role of this variant in disease. Therefore, it has been classified as a Variant of Uncertain Significance.

Ambry Genetics
Classification: Uncertain significance for Hereditary cancer-predisposing syndrome. Last evaluated: 2025-01-30. Review status: criteria provided, single submitter. Criteria: Ambry Variant Classification Scheme 2023. Collection method: clinical testing. Allele origin: germline.
Comment: The p.G62R variant (also known as c.184G>C), located in coding exon 3 of the CDH1 gene, results from a G to C substitution at nucleotide position 184. The glycine at codon 62 is replaced by arginine, an amino acid with dissimilar properties. This amino acid position is well conserved in available vertebrate species. In addition, this alteration is predicted to be tolerated by in silico analysis. Based on the available evidence, the clinical significance of this variant remains unclear.

NM_004360.5(CDH1):c.184G>C (p.Gly62Arg)

Gene: CDH1 (cadherin 1; plus strand). Cytogenetic location: 16q22.1.
Variant type: single nucleotide variant.
Coding change: c.184G>C on transcript NM_004360.5 (MANE Select); coding-DNA position 184, G replaced by C.
Protein change: p.Gly62Arg; replaces glycine 62 with arginine.
Molecular consequence: missense variant. On other transcripts: 5 prime UTR variant (2).
Genome position (GRCh38, 1-based): chr16:68,801,690, G>C. VCF-style: chr16-68801690-G-C. GRCh37 (hg19) VCF-style: chr16-68835593-G-C.
Other names: c.-1432G>C (NM_001317185.2); c.-1636G>C (NM_001317186.2); c.184G>C, p.Gly62Arg (NM_001317184.2); c.184G>C (LRG_301t1); short protein forms G62R.
Identifiers: ClinVar variation 566243 (VCV000566243.8), dbSNP rs587781898, ClinGen allele CA396457119.